The following is an entry in ClinVar:

NM_001077653.2(TBX20):c.288A>C (p.Glu96Asp)

Gene: TBX20 (T-box transcription factor 20; minus strand). Cytogenetic location: 7p14.2.
Variant type: single nucleotide variant.
Coding change: c.288A>C on transcript NM_001077653.2 (MANE Select); coding-DNA position 288, A replaced by C.
Protein change: p.Glu96Asp; replaces glutamic acid 96 with aspartic acid.
Molecular consequence: missense variant.
Genome position (GRCh38, 1-based): chr7:35,250,043, T>G on the plus strand (A>C on the coding strand, the complement: TBX20 is on the minus strand). VCF-style: chr7-35250043-T-G. GRCh37 (hg19) VCF-style: chr7-35289655-T-G.
Other names: c.288A>C, p.Glu96Asp (NM_001166220.1); short protein forms E96D.
Identifiers: ClinVar variation 3676784 (VCV003676784.2).

ClinVar aggregate classification (germline): Uncertain significance (1 of 4 stars; one submission).

gnomAD v4.1: 2 of 1,613,826 alleles (0.00012%); highest among the groups gnomAD compares: Non-Finnish European, 0.00017%; no homozygotes.

Submission:

Labcorp Genetics (formerly Invitae), Labcorp
Classification: Uncertain significance. Last evaluated: 2024-12-02. Review status: criteria provided, single submitter. Criteria: Invitae Variant Classification Sherloc (09022015). Collection method: clinical testing. Allele origin: germline.
Comment: This sequence change replaces glutamic acid, which is acidic and polar, with aspartic acid, which is acidic and polar, at codon 96 of the TBX20 protein (p.Glu96Asp). This variant is not present in population databases (gnomAD no frequency). This variant has not been reported in the literature in individuals affected with TBX20-related conditions. Invitae Evidence Modeling of protein sequence and biophysical properties (such as structural, functional, and spatial information, amino acid conservation, physicochemical variation, residue mobility, and thermodynamic stability) indicates that this missense variant is not expected to disrupt TBX20 protein function with a negative predictive value of 80%. In summary, the available evidence is currently insufficient to determine the role of this variant in disease. Therefore, it has been classified as a Variant of Uncertain Significance.